The following is an entry in ClinVar:

NM_000143.4(FH):c.1259_1262dup (p.Arg421fs)

Gene: FH (fumarate hydratase; minus strand). Cytogenetic location: 1q43.
Variant type: Duplication.
Coding change: c.1259_1262dup on transcript NM_000143.4 (MANE Select); coding-DNA positions 1259 to 1262, 4 bases duplicated (CCAG; older notation c.1259_1262dupCCAG).
Protein change: p.Arg421fs; shifts the reading frame from arginine 421.
Molecular consequence: frameshift variant.
Genome position (GRCh38, 1-based): chr1:241,500,565-241,500,568, CTGG duplicated on the plus strand (CCAG on the coding strand, the reverse complement: FH is on the minus strand); duplicating any 4 consecutive bases within chr1:241,500,565-241,500,571 gives the same sequence; the c. name uses the placement nearest the transcript's 3' end. VCF-style (leftmost placement, unchanged base first): chr1-241500564-C-CCTGG. GRCh37 (hg19) VCF-style: chr1-241663864-C-CCTGG.
Other names: short protein forms R421fs.
Identifiers: ClinVar variation 1073160 (VCV001073160.9), dbSNP rs2147913317, ClinGen allele CA2499214632.

ClinVar aggregate classification (germline): Pathogenic (1 of 4 stars; one submission).

Submission:

Labcorp Genetics (formerly Invitae), Labcorp
Classification: Pathogenic. Last evaluated: 2022-02-25. Review status: criteria provided, single submitter. Criteria: Invitae Variant Classification Sherloc (09022015). Collection method: clinical testing. Allele origin: germline.
Comment: For these reasons, this variant has been classified as Pathogenic. This sequence change creates a premature translational stop signal (p.Arg421Serfs*32) in the FH gene. While this is not anticipated to result in nonsense mediated decay, it is expected to disrupt the last 90 amino acid(s) of the FH protein. This variant is not present in population databases (gnomAD no frequency). This variant has not been reported in the literature in individuals affected with FH-related conditions. ClinVar contains an entry for this variant (Variation ID: 1073160). This variant disrupts a region of the FH protein in which other variant(s) (p.Trp500*) have been determined to be pathogenic (PMID: 9635293, 21398687). This suggests that this is a clinically significant region of the protein, and that variants that disrupt it are likely to be disease-causing.

Literature cited by the submitters: PubMed 9635293; PubMed 21398687.